The following is an entry in ClinVar:

NM_000152.5(GAA):c.1777A>G (p.Thr593Ala)

Gene: GAA (alpha glucosidase; plus strand). Cytogenetic location: 17q25.3.
Variant type: single nucleotide variant.
Coding change: c.1777A>G on transcript NM_000152.5 (MANE Select); coding-DNA position 1777, A replaced by G.
Protein change: p.Thr593Ala; replaces threonine 593 with alanine.
Molecular consequence: missense variant.
Genome position (GRCh38, 1-based): chr17:80,112,600, A>G. VCF-style: chr17-80112600-A-G. GRCh37 (hg19) VCF-style: chr17-78086399-A-G.
Other names: c.1777A>G, p.Thr593Ala (NM_001079803.3, NM_001079804.3, NM_001406741.1 and 1 more transcripts); short protein forms T593A.
Identifiers: ClinVar variation 4871612 (VCV004871612.1).

ClinVar aggregate classification (germline): Uncertain significance (1 of 4 stars; one submission).

Conditions:
Cardiovascular phenotype. Identifiers: MedGen CN230736.

Submission:

Ambry Genetics
Classification: Uncertain significance for Cardiovascular phenotype. Last evaluated: 2026-03-20. Review status: criteria provided, single submitter. Criteria: Ambry Variant Classification Scheme 2023. Collection method: clinical testing. Allele origin: germline.
Comment: The p.T593A variant (also known as c.1777A>G), located in coding exon 12 of the GAA gene, results from an A to G substitution at nucleotide position 1777. The threonine at codon 593 is replaced by alanine, an amino acid with similar properties. This amino acid position is poorly conserved in available vertebrate species. In addition, this alteration is predicted to be tolerated by in silico analysis. Based on the available evidence, the clinical significance of this variant remains unclear.